The following is an entry in ClinVar:

NM_000297.4(PKD2):c.596G>T (p.Gly199Val)

Gene: PKD2 (polycystin 2, transient receptor potential cation channel; plus strand). Cytogenetic location: 4q22.1.
Variant type: single nucleotide variant.
Coding change: c.596G>T on transcript NM_000297.4 (MANE Select); coding-DNA position 596, G replaced by T.
Protein change: p.Gly199Val; replaces glycine 199 with valine.
Molecular consequence: missense variant. On other transcripts: non-coding transcript variant (1).
Genome position (GRCh38, 1-based): chr4:88,019,458, G>T. VCF-style: chr4-88019458-G-T. GRCh37 (hg19) VCF-style: chr4-88940610-G-T.
Other names: c.596G>T, p.Gly199Val (NM_001440544.1); short protein forms G199V.
Identifiers: ClinVar variation 4855269 (VCV004855269.2).

ClinVar aggregate classification (germline): Uncertain significance. Review status: criteria provided, multiple submitters, no conflicts (2 of 4 stars). 2 submissions from 2 submitters: Uncertain significance (2). Last evaluated 2026-01-21.

Conditions:
Polycystic kidney disease 2 (PKD2). Also called: POLYCYSTIC KIDNEY DISEASE, ADULT, TYPE II; Polycystic Kidney Disease 2, Autosomal Dominant; POLYCYSTIC KIDNEY DISEASE 2 WITH OR WITHOUT POLYCYSTIC LIVER DISEASE. Identifiers: MedGen C2751306, MONDO:0013131, OMIM 613095.

Submissions (2):

3billion
Classification: Uncertain significance for Polycystic kidney disease 2. Last evaluated: 2026-01-21. Review status: criteria provided, single submitter. Criteria: ACMG Guidelines, 2015. Collection method: clinical testing. Allele origin: germline. Affected: yes.
Comment: The variant is not observed in the gnomAD v4.1.0 dataset. Predicted Consequence/Location: Missense variant In silico tool prediction suggests damaging effect of the variant on gene or gene product [3Cnet: 0.89 (> 0.75, sensitivity 0.96 and precision 0.92)]. A different missense change at the same codon (p.Gly199Ser) has been reported to be associated with PKD2-related disorder (PMID: 29801666). Therefore, this variant is classified as VUS according to the recommendation of ACMG/AMP guideline.

Blueprint Genetics
Classification: Uncertain significance. Last evaluated: 2020-08-03. Review status: criteria provided, single submitter. Criteria: ACMG Guidelines, 2015. Collection method: clinical testing. Allele origin: germline.

Literature cited by the submitters: PubMed 29801666 (cited by 3billion).